The following is an entry in ClinVar:

ClinVar aggregate classification (germline): Uncertain significance (1 of 4 stars; one submission).

Conditions:
Cardiovascular phenotype. Identifiers: MedGen CN230736.

Submission:

Ambry Genetics
Classification: Uncertain significance for Cardiovascular phenotype. Last evaluated: 2023-11-12. Review status: criteria provided, single submitter. Criteria: Ambry Variant Classification Scheme 2023. Collection method: clinical testing. Allele origin: germline.
Comment: The p.I814K variant (also known as c.2441T>A), located in coding exon 15 of the SOS2 gene, results from a T to A substitution at nucleotide position 2441. The isoleucine at codon 814 is replaced by lysine, an amino acid with dissimilar properties. This amino acid position is conserved. In addition, this alteration is predicted to be tolerated by in silico analysis. Since supporting evidence is limited at this time, the clinical significance of this alteration remains unclear.

NM_006939.4(SOS2):c.2441T>A (p.Ile814Lys)

Gene: SOS2 (SOS Ras/Rho guanine nucleotide exchange factor 2; minus strand). Cytogenetic location: 14q21.3.
Variant type: single nucleotide variant.
Coding change: c.2441T>A on transcript NM_006939.4 (MANE Select); coding-DNA position 2441, T replaced by A.
Protein change: p.Ile814Lys; replaces isoleucine 814 with lysine.
Molecular consequence: missense variant.
Genome position (GRCh38, 1-based): chr14:50,145,540, A>T on the plus strand (T>A on the coding strand, the complement: SOS2 is on the minus strand). VCF-style: chr14-50145540-A-T. GRCh37 (hg19) VCF-style: chr14-50612258-A-T.
Other names: c.2342T>A, p.Ile781Lys (NM_001411020.1); short protein forms I781K, I814K.
Identifiers: ClinVar variation 3225960 (VCV003225960.1), dbSNP rs779987434, ClinGen allele CA389643442.